The following is an entry in ClinVar:

NM_001875.5(CPS1):c.2485A>G (p.Met829Val)

Gene: CPS1 (carbamoyl-phosphate synthase 1; plus strand). Cytogenetic location: 2q34.
Variant type: single nucleotide variant.
Coding change: c.2485A>G on transcript NM_001875.5 (MANE Select); coding-DNA position 2485, A replaced by G.
Protein change: p.Met829Val; replaces methionine 829 with valine.
Molecular consequence: missense variant. On other transcripts: non-coding transcript variant (2).
Genome position (GRCh38, 1-based): chr2:210,612,210, A>G. VCF-style: chr2-210612210-A-G. GRCh37 (hg19) VCF-style: chr2-211476934-A-G.
Other names: c.2485A>G, p.Met829Val (NM_001122633.3, NM_001369257.1); c.2518A>G, p.Met840Val (NM_001369256.1); short protein forms M829V, M840V.
Identifiers: ClinVar variation 2201492 (VCV002201492.2), dbSNP rs763220320, ClinGen allele CA2086650.

ClinVar aggregate classification (germline): Uncertain significance. Review status: criteria provided, multiple submitters, no conflicts (2 of 4 stars). 2 submissions from 2 submitters: Uncertain significance (2). Last evaluated 2025-08-26.

Conditions:
Congenital hyperammonemia, type I. Also called: Carbamoyl phosphate synthetase I deficiency disease; Carbamoyl-phosphate synthase I deficiency; CPS I DEFICIENCY; Carbamoyl phosphate synthetase 1 deficiency; Hyperammonemia due to carbamoyl phosphate synthetase 1 deficiency; CPS 1 deficiency. Identifiers: Orphanet 147, MedGen C4082171, MONDO:0009376, OMIM 237300.
Inborn genetic diseases. Identifiers: MedGen C0950123, MeSH D030342.

Allele frequency attached by ClinVar (database versions not stated): gnomAD 0.00001; gnomAD exomes 0.00001; TOPMed 0.00001; ExAC 0.00003.
gnomAD v4.1: 16 of 1,612,160 alleles (0.00099%); highest among the groups gnomAD compares: Middle Eastern, 0.016%; no homozygotes.

Submissions (2):

Ambry Genetics
Classification: Uncertain significance for Inborn genetic diseases. Last evaluated: 2025-08-26. Review status: criteria provided, single submitter. Criteria: Ambry Variant Classification Scheme 2023. Collection method: clinical testing. Allele origin: germline.

Labcorp Genetics (formerly Invitae), Labcorp
Classification: Uncertain significance for Congenital hyperammonemia, type I. Last evaluated: 2022-05-08. Review status: criteria provided, single submitter. Criteria: Invitae Variant Classification Sherloc (09022015). Collection method: clinical testing. Allele origin: germline.
Comment: This sequence change replaces methionine, which is neutral and non-polar, with valine, which is neutral and non-polar, at codon 829 of the CPS1 protein (p.Met829Val). This variant is present in population databases (rs763220320, gnomAD 0.007%). This variant has not been reported in the literature in individuals affected with CPS1-related conditions. Algorithms developed to predict the effect of missense changes on protein structure and function (SIFT, PolyPhen-2, Align-GVGD) all suggest that this variant is likely to be tolerated. Algorithms developed to predict the effect of sequence changes on RNA splicing suggest that this variant may create or strengthen a splice site. In summary, the available evidence is currently insufficient to determine the role of this variant in disease. Therefore, it has been classified as a Variant of Uncertain Significance.